The following is an entry in ClinVar:

NM_001009944.3(PKD1):c.12499del (p.Arg4167fs)

Gene: PKD1 (polycystin 1, transient receptor potential channel interacting; minus strand). Cytogenetic location: 16p13.3.
Variant type: Deletion.
Coding change: c.12499del on transcript NM_001009944.3 (MANE Select); coding-DNA position 12499, one base deleted (A; older notation c.12499delA).
Protein change: p.Arg4167fs; shifts the reading frame from arginine 4167.
Molecular consequence: frameshift variant.
Genome position (GRCh38, 1-based): chr16:2,090,140, T deleted on the plus strand (A on the coding strand, the reverse complement: PKD1 is on the minus strand). VCF-style (leftmost placement, unchanged base first): chr16-2090139-CT-C. GRCh37 (hg19) VCF-style: chr16-2140140-CT-C.
Other names: c.12496del, p.Arg4166fs (NM_000296.4); short protein forms R4166fs, R4167fs.
Identifiers: ClinVar variation 488184 (VCV000488184.2), dbSNP rs1555444249, ClinGen allele CA658656502.
Genomic context (GRCh38, chr16:2,090,139, plus strand): 5'-GGGTGCGAGGCATCGGAGCCAGCGCTGGGTGGGGGCACATCCGGGGATACCTTGGAGCCC[CT>C]GGAGGAGCGAGAGGGCAGCGGCTCCATCCCTTCAAAGCGGACTTTGTGGCGGAACTGGGG-3'

ClinVar aggregate classification (germline): Pathogenic (0 of 4 stars; one submission).

Conditions:
Polycystic kidney disease, adult type (PKD1). Also called: Polycystic Kidney Disease 1, Autosomal Dominant; Polycystic kidney disease 1; Polycystic kidney disease 1, severe; POLYCYSTIC KIDNEY DISEASE, ADULT, TYPE I; POLYCYSTIC KIDNEY DISEASE 1 WITH OR WITHOUT POLYCYSTIC LIVER DISEASE; Polycystic Kidney, Autosomal Dominant. Identifiers: MedGen C3149841, MONDO:0008263, OMIM 173900.

Submission:

Centre for Genetic Disorders, Banaras Hindu University
Classification: Pathogenic for Polycystic kidney disease, adult type. Last evaluated: 2016-12-30. Review status: no assertion criteria provided. Collection method: research. Allele origin: germline. Inheritance: Autosomal dominant inheritance. Affected: yes. Observed: 3 variant alleles, 3 heterozygotes. Clinical features observed: Polycystic kidney disease.
Comment: NM_001009944.2:c.12499delA variant of PKD1 gene is presented by affected members of one family from India. This variant was inherited by offspring and was not present in 100 control individuals. This change is present in coding region and alters the translation frame. NM_001009944.2:c.12499delA (R4167Gfs*31) is a frameshift mutation leading to termination of protein synthesis at 4198 amino acid. MutationTaster predicts it to be disease causing.